The following is an entry in ClinVar:

ClinVar aggregate classification (germline): Uncertain significance (1 of 4 stars; one submission).

Conditions:
Candidiasis, familial, 9 (CANDF9). Identifiers: Orphanet 1334, MedGen C4225324, MONDO:0014642, OMIM 616445.

Submission:

Labcorp Genetics (formerly Invitae), Labcorp
Classification: Uncertain significance for Candidiasis, familial, 9. Last evaluated: 2025-10-02. Review status: criteria provided, single submitter. Criteria: Invitae Variant Classification Sherloc (09022015). Collection method: clinical testing. Allele origin: germline.
Comment: This sequence change replaces alanine, which is neutral and non-polar, with threonine, which is neutral and polar, at codon 703 of the IL17RC protein (p.Ala703Thr). The frequency data for this variant in the population databases is considered unreliable, as metrics indicate poor data quality at this position in the gnomAD database. This variant has not been reported in the literature in individuals affected with IL17RC-related conditions. An algorithm developed to predict the effect of missense changes on protein structure and function (PolyPhen-2) suggests that this variant is likely to be disruptive. In summary, the available evidence is currently insufficient to determine the role of this variant in disease. Therefore, it has been classified as a Variant of Uncertain Significance.

NM_153460.4(IL17RC):c.1894G>A (p.Ala632Thr)

Gene: IL17RC (interleukin 17 receptor C; plus strand). Cytogenetic location: 3p25.3.
Variant type: single nucleotide variant.
Coding change: c.1894G>A on transcript NM_153460.4 (MANE Select); coding-DNA position 1894, G replaced by A.
Protein change: p.Ala632Thr; replaces alanine 632 with threonine.
Molecular consequence: missense variant. On other transcripts: non-coding transcript variant (1).
Genome position (GRCh38, 1-based): chr3:9,933,324, G>A. VCF-style: chr3-9933324-G-A. GRCh37 (hg19) VCF-style: chr3-9975008-G-A.
Other names: c.1855G>A, p.Ala619Thr (NM_001203263.2); c.1804G>A, p.Ala602Thr (NM_001203264.2); c.1798G>A, p.Ala600Thr (NM_001203265.2); c.1816G>A, p.Ala606Thr (NM_001367278.1); c.1735G>A, p.Ala579Thr (NM_001367279.1); c.1810G>A, p.Ala604Thr (NM_001367280.1); c.1759G>A, p.Ala587Thr (NM_001410711.1); c.1849G>A, p.Ala617Thr (NM_032732.6); and 1 more; short protein forms A602T, A619T, A600T, A579T, A606T, A587T, A604T, A617T.
Identifiers: ClinVar variation 4771862 (VCV004771862.1).